The following is an entry in ClinVar:

ClinVar aggregate classification (germline): Benign. Review status: criteria provided, single submitter (1 of 4 stars). 2 submissions from 2 submitters: Benign (1). 1 of the submissions does not count toward it. Last evaluated 2025-12-30.

Conditions:
LYST-related disorder. Also called: LYST-related condition.
Chédiak-Higashi syndrome (CHS). Also called: Chediak-Higashi Syndrome. Identifiers: Orphanet 167, MedGen C0007965, MONDO:0008963, OMIM 214500.

Allele frequency attached by ClinVar (database versions not stated): TOPMed 0.00001; gnomAD 0.00007; gnomAD exomes 0.00015; ExAC 0.00033.
gnomAD v4.1: 228 of 1,610,546 alleles (0.014%); highest among the groups gnomAD compares: South Asian, 0.24%; 3 homozygotes.

Submissions (2):

Labcorp Genetics (formerly Invitae), Labcorp
Classification: Benign for Chédiak-Higashi syndrome. Last evaluated: 2025-12-30. Review status: criteria provided, single submitter. Criteria: Invitae Variant Classification Sherloc (09022015). Collection method: clinical testing. Allele origin: germline.

PreventionGenetics, part of Exact Sciences
Classification: Likely benign for LYST-related condition. Last evaluated: 2022-12-28. Review status: no assertion criteria provided. Collection method: clinical testing. Allele origin: germline. Not counted in ClinVar's aggregate classification.
Comment: This variant is classified as likely benign based on ACMG/AMP sequence variant interpretation guidelines (Richards et al. 2015 PMID: 25741868, with internal and published modifications).

NM_000081.4(LYST):c.7562G>C (p.Arg2521Thr)

Gene: LYST (lysosomal trafficking regulator; minus strand). Cytogenetic location: 1q42.3.
Variant type: single nucleotide variant.
Coding change: c.7562G>C on transcript NM_000081.4 (MANE Select); coding-DNA position 7562, G replaced by C.
Protein change: p.Arg2521Thr; replaces arginine 2521 with threonine.
Molecular consequence: missense variant.
Genome position (GRCh38, 1-based): chr1:235,752,070, C>G on the plus strand (G>C on the coding strand, the complement: LYST is on the minus strand). VCF-style: chr1-235752070-C-G. GRCh37 (hg19) VCF-style: chr1-235915370-C-G.
Other names: c.7562G>C, p.Arg2521Thr (NM_001301365.1); c.7562G>C (NM_000081.3); short protein forms R2521T.
Identifiers: ClinVar variation 1599085 (VCV001599085.10), dbSNP rs762395112, ClinGen allele CA1466110.